The following is an entry in ClinVar:

ClinVar aggregate classification (germline): Uncertain significance. Review status: criteria provided, multiple submitters, no conflicts (2 of 4 stars). 2 submissions from 2 submitters: Uncertain significance (2). Last evaluated 2020-02-24.

Conditions:
Autosomal recessive limb-girdle muscular dystrophy type 2J (LGMDR10). Also called: Limb-girdle muscular dystrophy, type 2J; MUSCULAR DYSTROPHY, LIMB-GIRDLE, AUTOSOMAL RECESSIVE 10. Identifiers: Orphanet 140922, MedGen C1837342, MONDO:0012127, OMIM 608807.
Dilated cardiomyopathy 1G (CMD1G). Identifiers: Orphanet 154, MedGen C1858763, MONDO:0011400, OMIM 604145.

Allele frequency attached by ClinVar (database versions not stated): gnomAD 0.00001; gnomAD exomes 0.00001; TOPMed 0.00001.
gnomAD v4.1: 21 of 1,613,690 alleles (0.0013%); highest among the groups gnomAD compares: East Asian, 0.0045%; no homozygotes.

Submissions (2):

Women's Health and Genetics/Laboratory Corporation of America, LabCorp
Classification: Uncertain significance. Last evaluated: 2020-02-24. Review status: criteria provided, single submitter. Criteria: LabCorp Variant Classification Summary - May 2015. Collection method: clinical testing. Allele origin: germline.
Comment: Variant summary: TTN c.81721C>T (p.Arg27241Trp) results in a non-conservative amino acid change located in the A-band region of the encoded protein sequence. Five of five in-silico tools predict a damaging effect of the variant on protein function. The variant was absent in 248594 control chromosomes (gnomAD). The available data on variant occurrences in the general population are insufficient to allow any conclusion about variant significance. To our knowledge, no occurrence of c.81721C>T in individuals affected with Cardiomyopathy and no experimental evidence demonstrating its impact on protein function have been reported. One clinical diagnostic laboratory has submitted clinical-significance assessments for this variant to ClinVar after 2014 without evidence for independent evaluation and cited the variant as uncertain significance. Based on the evidence outlined above, the variant was classified as uncertain significance.

Labcorp Genetics (formerly Invitae), Labcorp
Classification: Uncertain significance for Dilated cardiomyopathy 1G; Autosomal recessive limb-girdle muscular dystrophy type 2J. Last evaluated: 2017-11-12. Review status: criteria provided, single submitter. Criteria: Invitae Variant Classification Sherloc (09022015). Collection method: clinical testing. Allele origin: germline.

NM_001267550.2(TTN):c.89425C>T (p.Arg29809Trp)

Genes: TTN (titin; minus strand), TTN-AS1 (TTN antisense RNA 1; plus strand). Cytogenetic location: 2q31.2.
Variant type: single nucleotide variant.
Coding change: c.89425C>T on transcript NM_001267550.2 (MANE Select); coding-DNA position 89425, C replaced by T.
Protein change: p.Arg29809Trp; replaces arginine 29809 with tryptophan.
Molecular consequence: missense variant.
Genome position (GRCh38, 1-based): chr2:178,553,580, G>A on the plus strand (C>T on the coding strand, the complement: TTN is on the minus strand). VCF-style: chr2-178553580-G-A. GRCh37 (hg19) VCF-style: chr2-179418307-G-A.
Other names: c.84502C>T, p.Arg28168Trp (NM_001256850.1); c.62230C>T, p.Arg20744Trp (NM_003319.4); c.81721C>T, p.Arg27241Trp (NM_133378.4); c.62605C>T, p.Arg20869Trp (NM_133432.3); c.62806C>T, p.Arg20936Trp (NM_133437.4); short protein forms R29809W, R20744W, R20936W, R28168W, R20869W, R27241W.
Identifiers: ClinVar variation 535587 (VCV000535587.4), dbSNP rs112777680, ClinGen allele CA60978449.